The following is an entry in ClinVar:

NM_152703.5(SAMD9L):c.539A>T (p.His180Leu)

Gene: SAMD9L (sterile alpha motif domain containing 9 like; minus strand). Cytogenetic location: 7q21.2.
Variant type: single nucleotide variant.
Coding change: c.539A>T on transcript NM_152703.5 (MANE Select); coding-DNA position 539, A replaced by T.
Protein change: p.His180Leu; replaces histidine 180 with leucine.
Molecular consequence: missense variant.
Genome position (GRCh38, 1-based): chr7:93,135,433, T>A on the plus strand (A>T on the coding strand, the complement: SAMD9L is on the minus strand). VCF-style: chr7-93135433-T-A. GRCh37 (hg19) VCF-style: chr7-92764746-T-A.
Other names: c.539A>T, p.His180Leu (NM_001303496.3, NM_001303497.3, NM_001303498.3 and 5 more transcripts); short protein forms H180L.
Identifiers: ClinVar variation 3949819 (VCV003949819.1).

ClinVar aggregate classification (germline): Uncertain significance (1 of 4 stars; one submission).

Conditions:
Inborn genetic diseases. Identifiers: MedGen C0950123, MeSH D030342.

gnomAD v4.1: 1 of 1,614,194 alleles (0.000062%); highest among the groups gnomAD compares: Non-Finnish European, 0.000085%; no homozygotes.

Submission:

Ambry Genetics
Classification: Uncertain significance for Inborn genetic diseases. Last evaluated: 2025-04-09. Review status: criteria provided, single submitter. Criteria: Ambry Variant Classification Scheme 2023. Collection method: clinical testing. Allele origin: germline.
Comment: The p.H180L variant (also known as c.539A>T), located in coding exon 1 of the SAMD9L gene, results from an A to T substitution at nucleotide position 539. The histidine at codon 180 is replaced by leucine, an amino acid with similar properties. This amino acid position is conserved. In addition, this alteration is predicted to be tolerated by in silico analysis. Based on the available evidence, the clinical significance of this variant remains unclear.